The following is an entry in ClinVar:

ClinVar aggregate classification (germline): Conflicting classifications of pathogenicity. Review status: criteria provided, conflicting classifications (1 of 4 stars). 2 submissions from 2 submitters: Likely pathogenic (1); Uncertain significance (1). Last evaluated 2021-12-21.

Conditions:
Ververi-Brady syndrome. Identifiers: MedGen C4693824, MONDO:0979877, MONDO:0060707.

Submissions (2):

Institute of Human Genetics, University of Leipzig Medical Center
Classification: Likely pathogenic for Ververi-Brady syndrome 1. Last evaluated: 2021-12-21. Review status: criteria provided, single submitter. Criteria: ACMG Guidelines, 2015. Collection method: research. Allele origin: de novo. Affected: yes.

Baylor Genetics
Classification: Uncertain significance for Ververi-Brady syndrome 1. Last evaluated: 2019-02-15. Review status: criteria provided, single submitter. Criteria: ACMG Guidelines, 2015. Collection method: clinical testing. Allele origin: unknown. Affected: yes.
Comment: This variant was determined to be of uncertain significance according to ACMG Guidelines, 2015 [PMID:25741868].

Literature cited by the submitters: PubMed 34859529 (cited by Institute of Human Genetics, University of Leipzig Medical Center).

NM_198880.3(QRICH1):c.851C>T (p.Pro284Leu)

Gene: QRICH1 (glutamine rich 1; minus strand). Cytogenetic location: 3p21.31.
Variant type: single nucleotide variant.
Coding change: c.851C>T on transcript NM_198880.3 (MANE Select); coding-DNA position 851, C replaced by T.
Protein change: p.Pro284Leu; replaces proline 284 with leucine.
Molecular consequence: missense variant.
Genome position (GRCh38, 1-based): chr3:49,057,349, G>A on the plus strand (C>T on the coding strand, the complement: QRICH1 is on the minus strand). VCF-style: chr3-49057349-G-A. GRCh37 (hg19) VCF-style: chr3-49094782-G-A.
Other names: c.851C>T, p.Pro284Leu (NM_001320580.2, NM_001320581.2, NM_001320582.2 and 4 more transcripts); short protein forms P284L.
Identifiers: ClinVar variation 1030588 (VCV001030588.3), dbSNP rs2093408453, ClinGen allele CA352671120.
Genomic context (GRCh38, chr3:49,057,349, plus strand): 5'-GGGCTAGTAATGGTCCCAGTGGCACTGTACAGGTGGGCACTGTCTACTGTCAGTAAGTCT[G>A]GCCTCAAAGACACATAACTCTGCTGCTGGCCCTGTGGAATGGCCAGCACGGTGGCCACCG-3'
Protein context (NP_942581.1, residues 274-294): GQQQSYVSLR[Pro284Leu]DLLTVDSAHL